The following is an entry in ClinVar:

NM_024649.5(BBS1):c.723+6C>T

Gene: BBS1 (Bardet-Biedl syndrome 1; plus strand). Cytogenetic location: 11q13.2.
Variant type: single nucleotide variant.
Coding change: c.723+6C>T on transcript NM_024649.5 (MANE Select); 6 bases into the intron after coding-DNA position 723, C replaced by T.
Molecular consequence: intron variant.
Genome position (GRCh38, 1-based): chr11:66,519,754, C>T. VCF-style: chr11-66519754-C-T. GRCh37 (hg19) VCF-style: chr11-66287225-C-T.
Identifiers: ClinVar variation 3356874 (VCV003356874.1).

ClinVar aggregate classification (germline): Likely benign (0 of 4 stars; one submission).

Conditions:
BBS1-related disorder. Also called: BBS1-related condition.

gnomAD v4.1: 9 of 1,612,746 alleles (0.00056%); highest among the groups gnomAD compares: Non-Finnish European, 0.00051%; no homozygotes.

Submission:

PreventionGenetics, part of Exact Sciences
Classification: Likely benign for BBS1-related condition. Last evaluated: 2024-08-02. Review status: no assertion criteria provided. Collection method: clinical testing. Allele origin: germline.
Comment: This variant is classified as likely benign based on ACMG/AMP sequence variant interpretation guidelines (Richards et al. 2015 PMID: 25741868, with internal and published modifications).